The following is an entry in ClinVar:

NM_022455.5(NSD1):c.4605C>T (p.Arg1535=)

Gene: NSD1 (nuclear receptor binding SET domain protein 1; plus strand). Cytogenetic location: 5q35.3.
Variant type: single nucleotide variant.
Coding change: c.4605C>T on transcript NM_022455.5 (MANE Select); coding-DNA position 4605, C replaced by T.
Protein change: p.Arg1535=; no amino-acid change (arginine 1535 retained).
Molecular consequence: synonymous variant.
Genome position (GRCh38, 1-based): chr5:177,248,288, C>T. VCF-style: chr5-177248288-C-T. GRCh37 (hg19) VCF-style: chr5-176675289-C-T.
Other names: c.3732C>T, p.Arg1244= (NM_001365684.2, NM_001409306.1, NM_001409307.1 and 3 more transcripts); c.4605C>T, p.Arg1535= (NM_001409301.1, NM_001409302.1, NM_001409303.1); c.4185C>T, p.Arg1395= (NM_001409304.1); c.3852C>T, p.Arg1284= (NM_001409305.1).
Identifiers: ClinVar variation 159339 (VCV000159339.49), dbSNP rs140229717, ClinGen allele CA172831.
Genomic context (GRCh38, chr5:177,248,288, plus strand): 5'-TGAGGAAGGTGTAGAACACGATCCCGGGATGCCTGCCTCTAAAAAAATGCAGGGTGAACG[C>T]GGTGGAGGAGCTGCACTCAAGGAGAATGTCTGTCAGGTAGAGAAATGTTTGCCCACTTGT-3'
Protein context (NP_071900.2, residues 1525-1545): MPASKKMQGE[Arg1535=]GGGAALKENV

ClinVar aggregate classification (germline): Likely benign. Review status: criteria provided, multiple submitters, no conflicts (2 of 4 stars). 7 submissions from 7 submitters: Likely benign (6). 1 of the submissions does not count toward it. Last evaluated 2026-09-09.

Conditions:
NSD1-related disorder. Also called: NSD1-related condition.
Sotos syndrome (SOTOS). Also called: CHROMOSOME 5q35 DELETION SYNDROME; CEREBRAL GIGANTISM; Sotos' syndrome; Distinctive facial appearance, overgrowth in childhood, and learning disabilities or delayed development; SOTOS SYNDROME 1. Identifiers: Orphanet 821, MedGen C0175695, MONDO:0019349, OMIM 117550.
Inborn genetic diseases. Identifiers: MedGen C0950123, MeSH D030342.

Allele frequency attached by ClinVar (database versions not stated): gnomAD 0.00010 and 0.00011; gnomAD exomes 0.00010 and 0.00017; TOPMed 0.00012; ExAC 0.00013; ESP Exome Variant Server 0.00023.
gnomAD v4.1: 265 of 1,613,784 alleles (0.016%); highest among the groups gnomAD compares: Non-Finnish European, 0.022%; no homozygotes.

Submissions (7):

Ambry Genetics
Classification: Likely benign for Inborn genetic diseases. Last evaluated: 2026-09-09. Review status: criteria provided, single submitter. Criteria: Ambry Variant Classification Scheme 2023. Collection method: clinical testing. Allele origin: germline.

Labcorp Genetics (formerly Invitae), Labcorp
Classification: Likely benign. Last evaluated: 2025-05-19. Review status: criteria provided, single submitter. Criteria: Invitae Variant Classification Sherloc (09022015). Collection method: clinical testing. Allele origin: germline.

Blueprint Genetics
Classification: Likely benign. Last evaluated: 2024-08-23. Review status: criteria provided, single submitter. Criteria: ACMG Guidelines, 2015. Collection method: clinical testing. Allele origin: germline.

CeGaT Center for Human Genetics Tuebingen
Classification: Likely benign. Last evaluated: 2022-08-01. Review status: criteria provided, single submitter. Criteria: CeGaT Center For Human Genetics Tuebingen Variant Classification Criteria Version 2. Collection method: clinical testing. Allele origin: germline. Affected: yes. Observed: 1 variant allele.
Comment: NSD1: BP4, BP7

Genome-Nilou Lab
Classification: Likely benign for Sotos syndrome. Last evaluated: 2021-07-15. Review status: criteria provided, single submitter. Criteria: ACMG Guidelines, 2015. Collection method: clinical testing. Allele origin: germline. Affected: no.

Genetic Services Laboratory, University of Chicago
Classification: Likely benign. Last evaluated: 2014-11-07. Review status: criteria provided, single submitter. Criteria: ACMG Guidelines, 2015. Collection method: clinical testing. Allele origin: germline.

PreventionGenetics, part of Exact Sciences
Classification: Likely benign for NSD1-related condition. Last evaluated: 2023-07-21. Review status: no assertion criteria provided. Collection method: clinical testing. Allele origin: germline. Not counted in ClinVar's aggregate classification.
Comment: This variant is classified as likely benign based on ACMG/AMP sequence variant interpretation guidelines (Richards et al. 2015 PMID: 25741868, with internal and published modifications).